The following is an entry in ClinVar:

ClinVar aggregate classification (germline): Likely benign. Review status: criteria provided, multiple submitters, no conflicts (2 of 4 stars). 4 submissions from 4 submitters: Likely benign (4). Last evaluated 2026-01-15.

Allele frequency attached by ClinVar (database versions not stated): 1000 Genomes Project 30x 0.00016; 1000 Genomes Project 0.00020; TOPMed 0.00093; gnomAD 0.00102 and 0.00106; gnomAD exomes 0.00111 and 0.00211; ExAC 0.00119; ESP Exome Variant Server 0.00154.
gnomAD v4.1: 3,199 of 1,614,062 alleles (0.2%); highest among the groups gnomAD compares: Non-Finnish European, 0.26%; 5 homozygotes.

Submissions (4):

Labcorp Genetics (formerly Invitae), Labcorp
Classification: Likely benign. Last evaluated: 2026-01-15. Review status: criteria provided, single submitter. Criteria: Invitae Variant Classification Sherloc (09022015). Collection method: clinical testing. Allele origin: germline.

Blueprint Genetics
Classification: Likely benign. Last evaluated: 2024-11-26. Review status: criteria provided, single submitter. Criteria: ACMG Guidelines, 2015. Collection method: clinical testing. Allele origin: germline.

CeGaT Center for Human Genetics Tuebingen
Classification: Likely benign. Last evaluated: 2022-08-01. Review status: criteria provided, single submitter. Criteria: CeGaT Center For Human Genetics Tuebingen Variant Classification Criteria Version 2. Collection method: clinical testing. Allele origin: germline. Affected: yes. Observed: 1 variant allele.
Comment: WNT7A: BP4, BP7

GeneDx
Classification: Likely benign. Last evaluated: 2020-11-20. Review status: criteria provided, single submitter. Criteria: GeneDx Variant Classification Process June 2021. Collection method: clinical testing. Allele origin: germline. Affected: yes.
Comment: See Variant Classification Assertion Criteria.

NM_004625.4(WNT7A):c.81C>T (p.Ser27=)

Gene: WNT7A (Wnt family member 7A; minus strand). Cytogenetic location: 3p25.1.
Variant type: single nucleotide variant.
Coding change: c.81C>T on transcript NM_004625.4 (MANE Select); coding-DNA position 81, C replaced by T.
Protein change: p.Ser27=; no amino-acid change (serine 27 retained).
Molecular consequence: synonymous variant.
Genome position (GRCh38, 1-based): chr3:13,875,164, G>A on the plus strand (C>T on the coding strand, the complement: WNT7A is on the minus strand). VCF-style: chr3-13875164-G-A. GRCh37 (hg19) VCF-style: chr3-13916661-G-A.
Identifiers: ClinVar variation 719319 (VCV000719319.42), dbSNP rs74784274, ClinGen allele CA2266562.